The following is an entry in ClinVar:

ClinVar aggregate classification (germline): Likely pathogenic (1 of 4 stars; one submission).

Conditions:
Congenital hyperammonemia, type I. Also called: Carbamoyl phosphate synthetase I deficiency disease; CPS I DEFICIENCY; Carbamoyl phosphate synthetase 1 deficiency; Hyperammonemia due to carbamoyl phosphate synthetase 1 deficiency; CPS 1 deficiency; Carbamyl phosphate synthetase (CPS) deficiency. Identifiers: Orphanet 147, MedGen C4082171, MONDO:0009376, OMIM 237300.

Submission:

Natera, Inc.
Classification: Likely pathogenic for Carbamoyl-phosphate synthase I deficiency. Last evaluated: 2024-02-29. Review status: criteria provided, single submitter. Criteria: Natera Variant Classification Schema (03/2026). Collection method: clinical testing. Allele origin: germline.
Comment: The c.2687+1G>A variant in CPS1 is a canonical splice donor site variant predicted to affect pre-mRNA splicing, which may result in an abnormal transcript and altered protein product. This variant is expected to result in nonsense mediated decay, truncation, or a dysfunctional protein product. This variant is rare in the general population with a frequency below the threshold expected for the associated phenotype(s). Given the available evidence, this variant is classified as Likely Pathogenic.

NM_001875.5(CPS1):c.2687+1G>A

Gene: CPS1 (carbamoyl-phosphate synthase 1; plus strand). Cytogenetic location: 2q34.
Variant type: single nucleotide variant.
Coding change: c.2687+1G>A on transcript NM_001875.5 (MANE Select); the canonical splice donor site of the intron after coding-DNA position 2687, G replaced by A.
Molecular consequence: splice donor variant.
Genome position (GRCh38, 1-based): chr2:210,616,542, G>A. VCF-style: chr2-210616542-G-A. GRCh37 (hg19) VCF-style: chr2-211481266-G-A.
Other names: c.2687+1G>A (NM_001369257.1, NM_001122633.3); c.2720+1G>A (NM_001369256.1).
Identifiers: ClinVar variation 4814959 (VCV004814959.1).